The following is an entry in ClinVar:

ClinVar aggregate classification (germline): Uncertain significance (1 of 4 stars; one submission).

Conditions:
Hereditary cancer-predisposing syndrome. Also called: Hereditary Cancer Syndrome; Hereditary neoplastic syndrome; Neoplastic Syndromes, Hereditary; Tumor predisposition. Identifiers: Orphanet 140162, MedGen C0027672, MeSH D009386, MONDO:0015356.

Submission:

Ambry Genetics
Classification: Uncertain significance for Hereditary cancer-predisposing syndrome. Last evaluated: 2025-08-20. Review status: criteria provided, single submitter. Criteria: Ambry Variant Classification Scheme 2023. Collection method: clinical testing. Allele origin: germline.
Comment: The p.E1154G variant (also known as c.3461A>G), located in coding exon 22 of the ALK gene, results from an A to G substitution at nucleotide position 3461. The glutamic acid at codon 1154 is replaced by glycine, an amino acid with similar properties. This amino acid position is conserved. In addition, the in silico prediction for this alteration is inconclusive. Based on the available evidence, the clinical significance of this variant remains unclear.

NM_004304.5(ALK):c.3461A>G (p.Glu1154Gly)

Gene: ALK (ALK receptor tyrosine kinase; minus strand). Cytogenetic location: 2p23.2.
Variant type: single nucleotide variant.
Coding change: c.3461A>G on transcript NM_004304.5 (MANE Select); coding-DNA position 3461, A replaced by G.
Protein change: p.Glu1154Gly; replaces glutamic acid 1154 with glycine.
Molecular consequence: missense variant.
Genome position (GRCh38, 1-based): chr2:29,222,398, T>C on the plus strand (A>G on the coding strand, the complement: ALK is on the minus strand). VCF-style: chr2-29222398-T-C. GRCh37 (hg19) VCF-style: chr2-29445264-T-C.
Other names: c.257A>G, p.Glu86Gly (NM_001353765.2); short protein forms E86G, E1154G.
Identifiers: ClinVar variation 4272998 (VCV004272998.1).
Genomic context (GRCh38, chr2:29,222,398, plus strand): 5'-CTTTACCTGATGATCAGGGCTTCCATGAGGAAATCCAGTTCGTCCTGTTCAGAGCACACT[T>C]CAGGCAGCGTCTGGGCAGAGAAGGGGAGGGTGGGGAGGAGGAGGAGGCTGTGAGCTGAGA-3'
Protein context (NP_004295.2, residues 1144-1164): PLQVAVKTLP[Glu1154Gly]VCSEQDELDF